The following is an entry in ClinVar:

ClinVar aggregate classification (germline): Uncertain significance (1 of 4 stars; one submission).

Submission:

Women's Health and Genetics/Laboratory Corporation of America, LabCorp
Classification: Uncertain significance. Last evaluated: 2025-10-07. Review status: criteria provided, single submitter. Criteria: LabCorp Variant Classification Summary - May 2015. Collection method: clinical testing. Allele origin: germline.
Comment: Variant summary: TPP1 c.1223G>C (p.Ser408Thr) results in a conservative amino acid change in the encoded protein sequence. Algorithms developed to predict the effect of missense changes on protein structure and function are either unavailable or do not agree on the potential impact of this missense change. The variant was absent in 251456 control chromosomes. The available data on variant occurrences in the general population are insufficient to allow any conclusion about variant significance. To our knowledge, no occurrence of c.1223G>C in individuals affected with TPP1-related conditions and no experimental evidence demonstrating its impact on protein function have been reported. No submitters have cited clinical-significance assessments for this variant to ClinVar. Based on the evidence outlined above, the variant was classified as uncertain significance.

NM_000391.4(TPP1):c.1223G>C (p.Ser408Thr)

Gene: TPP1 (tripeptidyl peptidase 1; minus strand). Cytogenetic location: 11p15.4.
Variant type: single nucleotide variant.
Coding change: c.1223G>C on transcript NM_000391.4 (MANE Select); coding-DNA position 1223, G replaced by C.
Protein change: p.Ser408Thr; replaces serine 408 with threonine.
Molecular consequence: missense variant.
Genome position (GRCh38, 1-based): chr11:6,615,485, C>G on the plus strand (G>C on the coding strand, the complement: TPP1 is on the minus strand). VCF-style: chr11-6615485-C-G. GRCh37 (hg19) VCF-style: chr11-6636716-C-G.
Other names: short protein forms S408T.
Identifiers: ClinVar variation 4687496 (VCV004687496.1).